The following is an entry in ClinVar:

NM_005876.5(SPEG):c.3171C>T (p.Thr1057=)

Gene: SPEG (striated muscle enriched protein kinase; plus strand). Cytogenetic location: 2q35.
Variant type: single nucleotide variant.
Coding change: c.3171C>T on transcript NM_005876.5 (MANE Select); coding-DNA position 3171, C replaced by T.
Protein change: p.Thr1057=; no amino-acid change (threonine 1057 retained).
Molecular consequence: synonymous variant.
Genome position (GRCh38, 1-based): chr2:219,468,606, C>T. VCF-style: chr2-219468606-C-T. GRCh37 (hg19) VCF-style: chr2-220333328-C-T.
Identifiers: ClinVar variation 3029923 (VCV003029923.3), dbSNP rs765709007, ClinGen allele CA2126089.
Genomic context (GRCh38, chr2:219,468,606, plus strand): 5'-TCCCTATCTCTGAGCTGCCCCCTGCCCCACAGATGAGCTGACCTGCAGTGCCCGGCTGAC[C>T]GTGCGGCCCTCGTTGGCACCCCTGTTCACACGGCTGCTGGAAGATGTGGAGGTGTTGGAG-3'
Protein context (NP_005867.3, residues 1047-1067): KDELTCSARL[Thr1057=]VRPSLAPLFT

ClinVar aggregate classification (germline): Likely benign. Review status: criteria provided, single submitter (1 of 4 stars). 2 submissions from 2 submitters: Likely benign (1). 1 of the submissions does not count toward it. Last evaluated 2025-03-06.

Conditions:
SPEG-related disorder. Also called: SPEG-related condition.

Allele frequency attached by ClinVar (database versions not stated): ExAC 0.00004; gnomAD 0.00005; TOPMed 0.00005.
gnomAD v4.1: 14 of 1,613,444 alleles (0.00087%); highest among the groups gnomAD compares: African/African-American, 0.013%; no homozygotes.

Submissions (2):

Labcorp Genetics (formerly Invitae), Labcorp
Classification: Likely benign. Last evaluated: 2025-03-06. Review status: criteria provided, single submitter. Criteria: Invitae Variant Classification Sherloc (09022015). Collection method: clinical testing. Allele origin: germline.

PreventionGenetics, part of Exact Sciences
Classification: Likely benign for SPEG-related condition. Last evaluated: 2023-01-26. Review status: no assertion criteria provided. Collection method: clinical testing. Allele origin: germline. Not counted in ClinVar's aggregate classification.
Comment: This variant is classified as likely benign based on ACMG/AMP sequence variant interpretation guidelines (Richards et al. 2015 PMID: 25741868, with internal and published modifications).